The following is an entry in ClinVar:

NM_001351132.2(PEX5):c.1177C>T (p.Arg393Trp)

Gene: PEX5 (peroxisomal biogenesis factor 5; plus strand). Cytogenetic location: 12p13.31.
Variant type: single nucleotide variant.
Coding change: c.1177C>T on transcript NM_001351132.2 (MANE Select); coding-DNA position 1177, C replaced by T.
Protein change: p.Arg393Trp; replaces arginine 393 with tryptophan.
Molecular consequence: missense variant.
Genome position (GRCh38, 1-based): chr12:7,208,076, C>T. VCF-style: chr12-7208076-C-T. GRCh37 (hg19) VCF-style: chr12-7360672-C-T.
Other names: c.1153C>T, p.Arg385Trp (NM_000319.5); c.1222C>T, p.Arg408Trp (NM_001131023.2); c.1066C>T, p.Arg356Trp (NM_001131024.2, NM_001351124.3, NM_001351126.2 and 7 more transcripts); c.1177C>T, p.Arg393Trp (NM_001131025.2, NM_001131026.2, NM_001300789.3 and 4 more transcripts); c.1042C>T, p.Arg348Trp (NM_001351139.2, NM_001351140.2, NM_001374649.2); c.1177C>T (NM_001131025.1); c.1111C>T, p.Arg371Trp (NM_001351135.3, NM_001351138.2); c.1168C>T, p.Arg390Trp (NM_001351136.2); short protein forms R385W, R393W, R408W, R348W, R356W, R371W, R390W.
Identifiers: ClinVar variation 2146178 (VCV002146178.4), dbSNP rs375895266, ClinGen allele CA6426379.

ClinVar aggregate classification (germline): Uncertain significance. Review status: criteria provided, multiple submitters, no conflicts (2 of 4 stars). 2 submissions from 2 submitters: Uncertain significance (2). Last evaluated 2025-12-09.

Conditions:
Inborn genetic diseases. Identifiers: MedGen C0950123, MeSH D030342.
Peroxisome biogenesis disorder 2B (PBD2B). Identifiers: Orphanet 44, MedGen C3550234, MONDO:0008736, OMIM 202370.

Allele frequency attached by ClinVar (database versions not stated): ExAC 0.00001; gnomAD 0.00001; ESP Exome Variant Server 0.00008; gnomAD exomes 0.00001; TOPMed 0.00001.
gnomAD v4.1: 16 of 1,609,968 alleles (0.00099%); highest among the groups gnomAD compares: East Asian, 0.0067%; no homozygotes.

Submissions (2):

Ambry Genetics
Classification: Uncertain significance for Inborn genetic diseases. Last evaluated: 2025-12-09. Review status: criteria provided, single submitter. Criteria: Ambry Variant Classification Scheme 2023. Collection method: clinical testing. Allele origin: germline.

Labcorp Genetics (formerly Invitae), Labcorp
Classification: Uncertain significance for Peroxisome biogenesis disorder 2B. Last evaluated: 2022-06-14. Review status: criteria provided, single submitter. Criteria: Invitae Variant Classification Sherloc (09022015). Collection method: clinical testing. Allele origin: germline.
Comment: This sequence change replaces arginine, which is basic and polar, with tryptophan, which is neutral and slightly polar, at codon 393 of the PEX5 protein (p.Arg393Trp). This variant is present in population databases (rs375895266, gnomAD 0.007%). This variant has not been reported in the literature in individuals affected with PEX5-related conditions. Algorithms developed to predict the effect of missense changes on protein structure and function are either unavailable or do not agree on the potential impact of this missense change (SIFT: "Deleterious"; PolyPhen-2: "Probably Damaging"; Align-GVGD: "Class C0"). In summary, the available evidence is currently insufficient to determine the role of this variant in disease. Therefore, it has been classified as a Variant of Uncertain Significance.